The following is an entry in ClinVar:

ClinVar aggregate classification (germline): Uncertain significance (1 of 4 stars; one submission).

Conditions:
Neuronal ceroid lipofuscinosis. Also called: Neuronal Ceroid Lipofuscinoses. Identifiers: Orphanet 216, Orphanet 79263, MedGen C0027877, MONDO:0016295. Disease mechanism: loss of function.

Allele frequency attached by ClinVar (database versions not stated): ExAC 0.00002; gnomAD exomes 0.00002.
gnomAD v4.1: 23 of 1,392,396 alleles (0.0017%); highest among the groups gnomAD compares: Admixed American, 0.0057%; no homozygotes.

Submission:

Labcorp Genetics (formerly Invitae), Labcorp
Classification: Uncertain significance for Neuronal ceroid lipofuscinosis. Last evaluated: 2022-08-05. Review status: criteria provided, single submitter. Criteria: Invitae Variant Classification Sherloc (09022015). Collection method: clinical testing. Allele origin: germline.
Comment: This sequence change replaces arginine, which is basic and polar, with tryptophan, which is neutral and slightly polar, at codon 310 of the CLN6 protein (p.Arg310Trp). This variant is present in population databases (rs773087251, gnomAD 0.007%). This variant has not been reported in the literature in individuals affected with CLN6-related conditions. Algorithms developed to predict the effect of missense changes on protein structure and function are either unavailable or do not agree on the potential impact of this missense change (SIFT: "Deleterious"; PolyPhen-2: "Benign"; Align-GVGD: "Class C0"). In summary, the available evidence is currently insufficient to determine the role of this variant in disease. Therefore, it has been classified as a Variant of Uncertain Significance.

NM_017882.3(CLN6):c.928C>T (p.Arg310Trp)

Gene: CLN6 (CLN6 transmembrane ER protein; minus strand). Cytogenetic location: 15q23.
Variant type: single nucleotide variant.
Coding change: c.928C>T on transcript NM_017882.3 (MANE Select); coding-DNA position 928, C replaced by T.
Protein change: p.Arg310Trp; replaces arginine 310 with tryptophan.
Molecular consequence: missense variant.
Genome position (GRCh38, 1-based): chr15:68,208,148, G>A on the plus strand (C>T on the coding strand, the complement: CLN6 is on the minus strand). VCF-style: chr15-68208148-G-A. GRCh37 (hg19) VCF-style: chr15-68500486-G-A.
Other names: c.1024C>T, p.Arg342Trp (NM_001411068.1); short protein forms R310W, R342W.
Identifiers: ClinVar variation 2040377 (VCV002040377.1), dbSNP rs773087251, ClinGen allele CA7630439.